The following is an entry in ClinVar:

ClinVar aggregate classification (germline): Uncertain significance. Review status: criteria provided, multiple submitters, no conflicts (2 of 4 stars). 2 submissions from 2 submitters: Uncertain significance (2). Last evaluated 2025-09-09.

Conditions:
Inborn genetic diseases. Identifiers: MedGen C0950123, MeSH D030342.
Brachyolmia-amelogenesis imperfecta syndrome. Also called: PLATYSPONDYLY WITH AMELOGENESIS IMPERFECTA; Tooth agenesis, selective, 6; Dental anomalies and short stature. Identifiers: Orphanet 2899, MedGen C1832594, MONDO:0011018, OMIM 601216. Disease mechanism: loss of function.

Allele frequency attached by ClinVar (database versions not stated): gnomAD 0.00001; TOPMed 0.00001.
gnomAD v4.1: 4 of 1,526,554 alleles (0.00026%); highest among the groups gnomAD compares: African/African-American, 0.0041%; no homozygotes.

Submissions (2):

Labcorp Genetics (formerly Invitae), Labcorp
Classification: Uncertain significance for Brachyolmia-amelogenesis imperfecta syndrome. Last evaluated: 2025-09-09. Review status: criteria provided, single submitter. Criteria: Invitae Variant Classification Sherloc (09022015). Collection method: clinical testing. Allele origin: germline.
Comment: This sequence change replaces arginine, which is basic and polar, with histidine, which is basic and polar, at codon 1093 of the LTBP3 protein (p.Arg1093His). The frequency data for this variant in the population databases is considered unreliable, as metrics indicate poor data quality at this position in the gnomAD database. This variant has not been reported in the literature in individuals affected with LTBP3-related conditions. ClinVar contains an entry for this variant (Variation ID: 2428143). An algorithm developed to predict the effect of missense changes on protein structure and function outputs the following: PolyPhen-2: "Benign". The histidine amino acid residue is found in multiple mammalian species, which suggests that this missense change does not adversely affect protein function. In summary, the available evidence is currently insufficient to determine the role of this variant in disease. Therefore, it has been classified as a Variant of Uncertain Significance.

Ambry Genetics
Classification: Uncertain significance for Inborn genetic diseases. Last evaluated: 2024-06-22. Review status: criteria provided, single submitter. Criteria: Ambry Variant Classification Scheme 2023. Collection method: clinical testing. Allele origin: germline.
Comment: The p.R1093H variant (also known as c.3278G>A), located in coding exon 24 of the LTBP3 gene, results from a G to A substitution at nucleotide position 3278. The arginine at codon 1093 is replaced by histidine, an amino acid with highly similar properties. This amino acid position is conserved. In addition, this alteration is predicted to be tolerated by in silico analysis. Based on the available evidence, the clinical significance of this variant remains unclear.

NM_001130144.3(LTBP3):c.3278G>A (p.Arg1093His)

Genes: LTBP3 (latent transforming growth factor beta binding protein 3; minus strand), LOC121832793 (Sharpr-MPRA regulatory region 4001; plus strand). Cytogenetic location: 11q13.1.
Variant type: single nucleotide variant.
Coding change: c.3278G>A on transcript NM_001130144.3 (MANE Select); coding-DNA position 3278, G replaced by A.
Protein change: p.Arg1093His; replaces arginine 1093 with histidine.
Molecular consequence: missense variant. On other transcripts: intron variant (2).
Genome position (GRCh38, 1-based): chr11:65,540,120, C>T on the plus strand (G>A on the coding strand, the complement: LTBP3 is on the minus strand). VCF-style: chr11-65540120-C-T. GRCh37 (hg19) VCF-style: chr11-65307591-C-T.
Other names: c.2893+125G>A (NM_001164266.1); c.3244+125G>A (NM_021070.4); c.3278G>A (NM_001130144.2); short protein forms R1093H.
Identifiers: ClinVar variation 2428143 (VCV002428143.6), dbSNP rs972376478, ClinGen allele CA224009094.
Genomic context (GRCh38, chr11:65,540,120, plus strand): 5'-ACCCAGGGCGGGCGACACTCGCAGCGGTAGGAGCCCGGCAGGTTGACGCAGCGGCCAGGG[C>T]GGCAGGCTGCCGGGTCCTGGCACTCGTCCACGTCTACGAACAGCGAGGGGGTGGGTGGGG-3'
Protein context (NP_001123616.1, residues 1083-1103): VDECQDPAAC[Arg1093His]PGRCVNLPGS